The following is an entry in ClinVar:

NM_002156.5(HSPD1):c.1100T>C (p.Ile367Thr)

Gene: HSPD1 (heat shock protein family D (Hsp60) member 1; minus strand). Cytogenetic location: 2q33.1.
Variant type: single nucleotide variant.
Coding change: c.1100T>C on transcript NM_002156.5 (MANE Select); coding-DNA position 1100, T replaced by C.
Protein change: p.Ile367Thr; replaces isoleucine 367 with threonine.
Molecular consequence: missense variant.
Genome position (GRCh38, 1-based): chr2:197,489,117, A>G on the plus strand (T>C on the coding strand, the complement: HSPD1 is on the minus strand). VCF-style: chr2-197489117-A-G. GRCh37 (hg19) VCF-style: chr2-198353841-A-G.
Other names: c.1100T>C, p.Ile367Thr (NM_199440.2); short protein forms I367T.
Identifiers: ClinVar variation 5019601 (VCV005019601.2).

ClinVar aggregate classification (germline): Uncertain significance (1 of 4 stars; one submission).

Conditions:
Hereditary spastic paraplegia 13 (SPG13). Also called: Spastic paraplegia 13; SPASTIC PARAPLEGIA 13, AUTOSOMAL DOMINANT. Identifiers: Orphanet 100994, MedGen C1854467, MONDO:0011532, OMIM 605280.
Leukodystrophy, hypomyelinating, 4. Also called: MITCHAP60 DISEASE; MITOCHONDRIAL HSP60 CHAPERONOPATHY. Identifiers: Orphanet 280270, Orphanet 280288, MedGen C2677109, MONDO:0012824, OMIM 612233.

gnomAD v4.1: 6 of 1,614,016 alleles (0.00037%); highest among the groups gnomAD compares: South Asian, 0.0044%; no homozygotes.

Submission:

Juno Genomics, Hangzhou Juno Genomics, Inc
Classification: Uncertain significance for Leukodystrophy, hypomyelinating, 4; Hereditary spastic paraplegia 13. Review status: criteria provided, single submitter. Criteria: ACMG Guidelines, 2015. Collection method: clinical testing. Allele origin: germline.
Comment: Absent from controls (or at extremely low frequency if recessive) in Genome Aggregation Database.;Multiple lines of computational evidence support a deleterious effect on the gene or gene product.